The following is an entry in ClinVar:

ClinVar aggregate classification (germline): Benign. Review status: criteria provided, multiple submitters, no conflicts (2 of 4 stars). 3 submissions from 3 submitters: Benign (3). Last evaluated 2018-07-03.

Conditions:
Aortic aneurysm, familial thoracic 7 (AAT7). Also called: AORTIC DISSECTION, FAMILIAL, WITH OR WITHOUT AORTIC ANEURYSM. Identifiers: MedGen C3151077, MONDO:0013418, OMIM 613780.

Allele frequency attached by ClinVar (database versions not stated): gnomAD exomes 0.08796; gnomAD 0.30158 and 0.30515; TOPMed 0.33577; 1000 Genomes Project 0.44409; 1000 Genomes Project 30x 0.44550.
gnomAD v4.1: 46,238 of 152,564 alleles (30%); highest among the groups gnomAD compares: East Asian, 62%; 10,378 homozygotes.

Submissions (3):

ARUP Laboratories, Molecular Genetics and Genomics, ARUP Laboratories
Classification: Benign for Aortic aneurysm, familial thoracic 7. Last evaluated: 2018-07-03. Review status: criteria provided, single submitter. Criteria: ARUP Molecular Germline Variant Investigation Process. Collection method: clinical testing. Allele origin: germline.

Illumina Laboratory Services, Illumina
Classification: Benign for Aortic aneurysm, familial thoracic 7. Last evaluated: 2018-01-12. Review status: criteria provided, single submitter. Criteria: ICSL Variant Classification Criteria 13 December 2019. Collection method: clinical testing. Allele origin: germline.
Comment: This variant was observed in the ICSL laboratory as part of a predisposition screen in an ostensibly healthy population. It had not been previously curated by ICSL or reported in the Human Gene Mutation Database (HGMD: prior to June 1st, 2018), and was therefore a candidate for classification through an automated scoring system. Utilizing variant allele frequency, disease prevalence and penetrance estimates, and inheritance mode, an automated score was calculated to assess if this variant is too frequent to cause the disease. Based on the score and internal cut-off values, a variant classified as benign is not then subjected to further curation. The score for this variant resulted in a classification of benign for this disease.

Breakthrough Genomics
Classification: Benign. Review status: criteria provided, single submitter. Criteria: ACMG Guidelines, 2015. Collection method: not provided. Allele origin: germline. Inheritance: Autosomal recessive inheritance. Affected: yes.

NM_053025.4(MYLK):c.*1809A>G

Genes: MYLK (myosin light chain kinase; minus strand), MYLK-AS1 (MYLK antisense RNA 1; plus strand). Cytogenetic location: 3q21.1.
Variant type: single nucleotide variant.
Coding change: c.*1809A>G on transcript NM_053025.4 (MANE Select); 1809 bases downstream of the stop codon, A replaced by G.
Molecular consequence: 3 prime UTR variant.
Genome position (GRCh38, 1-based): chr3:123,612,296, T>C on the plus strand (A>G on the coding strand, the complement: MYLK is on the minus strand). VCF-style: chr3-123612296-T-C. GRCh37 (hg19) VCF-style: chr3-123331143-T-C.
Other names: c.*1809A>G (NM_001321309.2, NM_053026.4, NM_053027.4 and 3 more transcripts).
Identifiers: ClinVar variation 342823 (VCV000342823.13), dbSNP rs6438804, ClinGen allele CA10617025.